The following is an entry in ClinVar:

NM_000057.4(BLM):c.1799T>C (p.Leu600Pro)

Gene: BLM (BLM RecQ like helicase; plus strand). Cytogenetic location: 15q26.1.
Variant type: single nucleotide variant.
Coding change: c.1799T>C on transcript NM_000057.4 (MANE Select); coding-DNA position 1799, T replaced by C.
Protein change: p.Leu600Pro; replaces leucine 600 with proline.
Molecular consequence: missense variant.
Genome position (GRCh38, 1-based): chr15:90,761,172, T>C. VCF-style: chr15-90761172-T-C. GRCh37 (hg19) VCF-style: chr15-91304402-T-C.
Other names: c.1799T>C, p.Leu600Pro (NM_001287246.2, NM_001287247.2); c.674T>C, p.Leu225Pro (NM_001287248.2); short protein forms L225P, L600P.
Identifiers: ClinVar variation 1780316 (VCV001780316.2), dbSNP rs2505429212, ClinGen allele CA393843869.

ClinVar aggregate classification (germline): Uncertain significance (1 of 4 stars; one submission).

Conditions:
Hereditary cancer-predisposing syndrome. Also called: Neoplastic Syndromes, Hereditary; Tumor predisposition; Hereditary Cancer Syndrome; Hereditary neoplastic syndrome. Identifiers: Orphanet 140162, MedGen C0027672, MeSH D009386, MONDO:0015356.

Submission:

Ambry Genetics
Classification: Uncertain significance for Hereditary cancer-predisposing syndrome. Last evaluated: 2021-08-09. Review status: criteria provided, single submitter. Criteria: Ambry Variant Classification Scheme 2023. Collection method: clinical testing. Allele origin: germline.
Comment: The p.L600P variant (also known as c.1799T>C), located in coding exon 6 of the BLM gene, results from a T to C substitution at nucleotide position 1799. The leucine at codon 600 is replaced by proline, an amino acid with similar properties. This amino acid position is conserved. In addition, this alteration is predicted to be tolerated by in silico analysis. Since supporting evidence is limited at this time, the clinical significance of this alteration remains unclear.